The following is an entry in ClinVar:

ClinVar aggregate classification (germline): Conflicting classifications of pathogenicity. Review status: criteria provided, conflicting classifications (1 of 4 stars). 4 submissions from 4 submitters: Uncertain significance (1); Benign (2); Likely benign (1). Last evaluated 2025-03-17.

Conditions:
Inborn genetic diseases. Identifiers: MedGen C0950123, MeSH D030342.
Spinocerebellar ataxia type 13 (SCA13). Also called: Spinocerebellar Ataxia Type13. Identifiers: Orphanet 98768, MedGen C1854488, MONDO:0011529, OMIM 605259.

Allele frequency attached by ClinVar (database versions not stated): 1000 Genomes Project 30x 0.00016; ExAC 0.00122.
gnomAD v4.1: 123 of 1,539,642 alleles (0.008%); highest among the groups gnomAD compares: South Asian, 0.11%; 2 homozygotes.

Submissions (4):

Labcorp Genetics (formerly Invitae), Labcorp
Classification: Benign. Last evaluated: 2025-03-17. Review status: criteria provided, single submitter. Criteria: Invitae Variant Classification Sherloc (09022015). Collection method: clinical testing. Allele origin: germline.

Revvity Omics, Revvity
Classification: Uncertain significance for Spinocerebellar ataxia type 13. Last evaluated: 2023-10-27. Review status: criteria provided, single submitter. Criteria: ACMG Guidelines, 2015. Collection method: clinical testing. Allele origin: germline.

Ambry Genetics
Classification: Likely benign for Inborn genetic diseases. Last evaluated: 2023-02-15. Review status: criteria provided, single submitter. Criteria: Ambry Variant Classification Scheme 2023. Collection method: clinical testing. Allele origin: germline.

CeGaT Center for Human Genetics Tuebingen
Classification: Benign. Last evaluated: 2022-06-01. Review status: criteria provided, single submitter. Criteria: CeGaT Center For Human Genetics Tuebingen Variant Classification Criteria Version 2. Collection method: clinical testing. Allele origin: germline. Affected: yes. Observed: 1 variant allele.
Comment: KCNC3: BS1, BS2

NM_004977.3(KCNC3):c.1876G>C (p.Gly626Arg)

Gene: KCNC3 (potassium voltage-gated channel subfamily C member 3; minus strand). Cytogenetic location: 19q13.33.
Variant type: single nucleotide variant.
Coding change: c.1876G>C on transcript NM_004977.3 (MANE Select); coding-DNA position 1876, G replaced by C.
Protein change: p.Gly626Arg; replaces glycine 626 with arginine.
Molecular consequence: missense variant.
Genome position (GRCh38, 1-based): chr19:50,323,077, C>G on the plus strand (G>C on the coding strand, the complement: KCNC3 is on the minus strand). VCF-style: chr19-50323077-C-G. GRCh37 (hg19) VCF-style: chr19-50826334-C-G.
Other names: c.1648G>C, p.Gly550Arg (NM_001372305.1); c.1876G>C (NM_004977.2); short protein forms G550R, G626R.
Identifiers: ClinVar variation 1573340 (VCV001573340.35), dbSNP rs368232448, ClinGen allele CA9594162.